The following is an entry in ClinVar:

ClinVar aggregate classification (germline): Uncertain significance. Review status: criteria provided, multiple submitters, no conflicts (2 of 4 stars). 2 submissions from 2 submitters: Uncertain significance (2). Last evaluated 2026-07-06.

Conditions:
Gastrointestinal stromal tumor. Also called: Gastrointestinal stromal tumor, somatic; Gastrointestinal stroma tumor. Identifiers: Orphanet 44890, MedGen C0238198, MeSH D046152, MONDO:0011719, OMIM 606764, HP:0100723.
Hereditary cancer-predisposing syndrome. Also called: Tumor predisposition; Hereditary neoplastic syndrome; Hereditary Cancer Syndrome; Neoplastic Syndromes, Hereditary. Identifiers: Orphanet 140162, MedGen C0027672, MeSH D009386, MONDO:0015356.

Submissions (2):

Ambry Genetics
Classification: Uncertain significance for Hereditary cancer-predisposing syndrome. Last evaluated: 2026-07-06. Review status: criteria provided, single submitter. Criteria: Ambry Variant Classification Scheme 2023. Collection method: clinical testing. Allele origin: germline.
Comment: The p.T847K variant (also known as c.2540C>A), located in coding exon 18 of the KIT gene, results from a C to A substitution at nucleotide position 2540. The threonine at codon 847 is replaced by lysine, an amino acid with similar properties. This amino acid position is conserved. In addition, this alteration is predicted to be deleterious by in silico analysis. Based on the available evidence, the clinical significance of this variant remains unclear.

Labcorp Genetics (formerly Invitae), Labcorp
Classification: Uncertain significance for Gastrointestinal stromal tumor. Last evaluated: 2024-09-04. Review status: criteria provided, single submitter. Criteria: Invitae Variant Classification Sherloc (09022015). Collection method: clinical testing. Allele origin: germline.
Comment: This sequence change replaces threonine, which is neutral and polar, with lysine, which is basic and polar, at codon 847 of the KIT protein (p.Thr847Lys). This variant is not present in population databases (gnomAD no frequency). This variant has not been reported in the literature in individuals affected with KIT-related conditions. An algorithm developed to predict the effect of missense changes on protein structure and function (PolyPhen-2) suggests that this variant is likely to be disruptive. In summary, the available evidence is currently insufficient to determine the role of this variant in disease. Therefore, it has been classified as a Variant of Uncertain Significance.

NM_000222.3(KIT):c.2540C>A (p.Thr847Lys)

Gene: KIT (KIT proto-oncogene, receptor tyrosine kinase; plus strand). Cytogenetic location: 4q12.
Variant type: single nucleotide variant.
Coding change: c.2540C>A on transcript NM_000222.3 (MANE Select); coding-DNA position 2540, C replaced by A.
Protein change: p.Thr847Lys; replaces threonine 847 with lysine.
Molecular consequence: missense variant.
Genome position (GRCh38, 1-based): chr4:54,736,553, C>A. VCF-style: chr4-54736553-C-A. GRCh37 (hg19) VCF-style: chr4-55602719-C-A.
Other names: c.2528C>A, p.Thr843Lys (NM_001093772.2, NM_001385292.1); c.2543C>A, p.Thr848Lys (NM_001385284.1); c.2537C>A, p.Thr846Lys (NM_001385285.1); c.2525C>A, p.Thr842Lys (NM_001385286.1); c.2531C>A, p.Thr844Lys (NM_001385288.1); c.2540C>A, p.Thr847Lys (NM_001385290.1); short protein forms T842K, T847K, T844K, T848K, T846K, T843K.
Identifiers: ClinVar variation 3645933 (VCV003645933.3).